The following is an entry in ClinVar:

ClinVar aggregate classification (germline): Uncertain significance. Review status: criteria provided, multiple submitters, no conflicts (2 of 4 stars). 7 submissions from 7 submitters: Uncertain significance (7). Last evaluated 2026-09-01.

Conditions:
Inborn genetic diseases. Identifiers: MedGen C0950123, MeSH D030342.
POLG-related disorder. Also called: POLG-related condition; POLG-Related Disorders; POLG-Related Spectrum Disorders. Identifiers: MedGen C4763519.
Progressive sclerosing poliodystrophy (MTDPS4A). Also called: Mitochondrial DNA depletion syndrome 4A (Alpers type); Alpers Syndrome; NEURONAL DEGENERATION OF CHILDHOOD WITH LIVER DISEASE, PROGRESSIVE; ALPERS PROGRESSIVE INFANTILE POLIODYSTROPHY; ALPERS DIFFUSE DEGENERATION OF CEREBRAL GRAY MATTER WITH HEPATIC CIRRHOSIS; Alpers-Huttenlocher Syndrome. Identifiers: Orphanet 726, MedGen C0205710, MONDO:0008758, OMIM 203700.
Progressive external ophthalmoplegia with mitochondrial DNA deletions, autosomal dominant 1 (PEOA1). Also called: PROGRESSIVE EXTERNAL OPHTHALMOPLEGIA, AUTOSOMAL DOMINANT 1; Autosomal Dominant Progressive External Ophthalmoplegia (adPEO). Identifiers: MedGen C1834846, MONDO:0024528, OMIM 157640.
Progressive external ophthalmoplegia with mitochondrial DNA deletions, autosomal recessive 1 (PEOB1). Also called: Progressive external ophthalmoplegia, autosomal recessive 1; Autosomal Recessive Progressive External Ophthalmoplegia (arPEO). Identifiers: Orphanet 254886, MedGen C4225153, MONDO:0009783, OMIM 258450.
Mitochondrial DNA depletion syndrome 4b. Also called: Mitochondrial Neurogastrointestinal Encephalopathy Disease, POLG-Related; MNGIE, POLG-RELATED. Identifiers: Orphanet 298, MedGen C3150914, MONDO:0013350, OMIM 613662.
Mitochondrial DNA depletion syndrome 1. Also called: Mitochondrial DNA depletion syndrome 1 (MNGIE type); POLIP SYNDROME; POLYNEUROPATHY, OPHTHALMOPLEGIA, LEUKOENCEPHALOPATHY, AND INTESTINAL PSEUDOOBSTRUCTION; Mitochondrial neurogastrointestinal encephalomyopathy syndrome; Mitochondrial Neurogastrointestinal Encephalopathy Disease; MITOCHONDRIAL NEUROGASTROINTESTINAL ENCEPHALOPATHY SYNDROME, TYMP-RELATED. Identifiers: Orphanet 298, MedGen C4551995, MONDO:0011283, OMIM 603041.
Sensory ataxic neuropathy, dysarthria, and ophthalmoparesis (SANDO). Also called: Epilepsy, progressive myoclonic, type 5; SENSORY ATAXIC NEUROPATHY WITH MITOCHONDRIAL DNA DELETIONS, AUTOSOMAL RECESSIVE; Ataxia Neuropathy Spectrum (ANS); Sensory ataxic neuropathy-dysarthria-ophthalmoparesis syndrome. Identifiers: Orphanet 70595, MedGen C1843851, MONDO:0011835, OMIM 607459.

Allele frequency attached by ClinVar (database versions not stated): gnomAD exomes 0.00001; ExAC 0.00002; gnomAD 0.00003; TOPMed 0.00009; 1000 Genomes Project 0.00020; 1000 Genomes Project 30x 0.00047.
gnomAD v4.1: 17 of 1,614,116 alleles (0.0011%); highest among the groups gnomAD compares: African/African-American, 0.012%; no homozygotes.

Submissions (7):

PreventionGenetics, part of Exact Sciences
Classification: Uncertain significance for POLG-related condition. Last evaluated: 2026-09-01. Review status: criteria provided, single submitter. Criteria: ACMG Guidelines, 2015. Collection method: clinical testing. Allele origin: germline.
Comment: The POLG c.3215C>G variant is predicted to result in the amino acid substitution p.Thr1072Ser. To our knowledge, this variant has not been reported in the literature. This variant is reported in 0.0062% of alleles in individuals of African descent in gnomAD. At this time, the clinical significance of this variant is uncertain due to the absence of conclusive functional and genetic evidence.

Labcorp Genetics (formerly Invitae), Labcorp
Classification: Uncertain significance for Progressive sclerosing poliodystrophy. Last evaluated: 2026-02-03. Review status: criteria provided, single submitter. Criteria: Invitae Variant Classification Sherloc (09022015). Collection method: clinical testing. Allele origin: germline.
Comment: This sequence change replaces threonine, which is neutral and polar, with serine, which is neutral and polar, at codon 1072 of the POLG protein (p.Thr1072Ser). This variant is present in population databases (rs530757118, gnomAD 0.007%). This variant has not been reported in the literature in individuals affected with POLG-related conditions. ClinVar contains an entry for this variant (Variation ID: 206552). Invitae Evidence Modeling of protein sequence and biophysical properties (such as structural, functional, and spatial information, amino acid conservation, physicochemical variation, residue mobility, and thermodynamic stability) indicates that this missense variant is expected to disrupt POLG protein function with a positive predictive value of 95%. In summary, the available evidence is currently insufficient to determine the role of this variant in disease. Therefore, it has been classified as a Variant of Uncertain Significance.

Mayo Clinic Laboratories, Mayo Clinic
Classification: Uncertain significance. Last evaluated: 2024-12-20. Review status: criteria provided, single submitter. Criteria: ACMG Guidelines, 2015. Collection method: clinical testing. Allele origin: germline. Observed: 1 variant allele.
Comment: PP3_moderate

GeneDx
Classification: Uncertain significance. Last evaluated: 2024-03-07. Review status: criteria provided, single submitter. Criteria: GeneDx Variant Classification Process June 2021. Collection method: clinical testing. Allele origin: germline. Affected: yes.
Comment: Not observed at significant frequency in large population cohorts (gnomAD); In silico analysis supports that this missense variant has a deleterious effect on protein structure/function; Has not been previously published as pathogenic or benign to our knowledge

3billion
Classification: Uncertain significance for Progressive sclerosing poliodystrophy. Last evaluated: 2023-11-07. Review status: criteria provided, single submitter. Criteria: ACMG Guidelines, 2015. Collection method: clinical testing. Allele origin: germline. Affected: yes.
Comment: The variant is observed at an extremely low frequency in the gnomAD v2.1.1 dataset (total allele frequency: 0.001%). Predicted Consequence/Location: Missense variant In silico tool predictions suggest damaging effect of the variant on gene or gene product [REVEL: 0.87 (>=0.6, sensitivity 0.68 and specificity 0.92); 3Cnet: 0.91 (>=0.6, sensitivity 0.72 and precision 0.9)]. A different missense change at the same codon (p.Thr1072Ile) has been reported to be associated with POLG-related disorder (PMID: 34986040). However the evidence of pathogenicity is insufficient at this time. Therefore, this variant is classified as VUS according to the recommendation of ACMG/AMP guideline.

Fulgent Genetics
Classification: Uncertain significance for Progressive external ophthalmoplegia with mitochondrial DNA deletions, autosomal dominant 1; Progressive sclerosing poliodystrophy; Progressive external ophthalmoplegia with mitochondrial DNA deletions, autosomal recessive 1; Mitochondrial DNA depletion syndrome 1; Sensory ataxic neuropathy, dysarthria, and ophthalmoparesis; Mitochondrial DNA depletion syndrome 4b. Last evaluated: 2021-10-15. Review status: criteria provided, single submitter. Criteria: ACMG Guidelines, 2015. Collection method: clinical testing. Allele origin: unknown.

Ambry Genetics
Classification: Uncertain significance for Inborn genetic diseases. Last evaluated: 2021-10-09. Review status: criteria provided, single submitter. Criteria: Ambry Variant Classification Scheme 2023. Collection method: clinical testing. Allele origin: germline.

Literature cited by the submitters: PubMed 34986040 (cited by Mayo Clinic Laboratories, Mayo Clinic and 3billion).

NM_002693.3(POLG):c.3215C>G (p.Thr1072Ser)

Gene: POLG (DNA polymerase gamma, catalytic subunit; minus strand). Cytogenetic location: 15q26.1.
Variant type: single nucleotide variant.
Coding change: c.3215C>G on transcript NM_002693.3 (MANE Select); coding-DNA position 3215, C replaced by G.
Protein change: p.Thr1072Ser; replaces threonine 1072 with serine.
Molecular consequence: missense variant.
Genome position (GRCh38, 1-based): chr15:89,318,989, G>C on the plus strand (C>G on the coding strand, the complement: POLG is on the minus strand). VCF-style: chr15-89318989-G-C. GRCh37 (hg19) VCF-style: chr15-89862220-G-C.
Other names: p.T1072S:ACC>AGC; p.Thr1072Ser; c.3215C>G, p.Thr1072Ser (NM_001126131.2); short protein forms T1072S.
Identifiers: ClinVar variation 206552 (VCV000206552.15), dbSNP rs530757118, ClinGen allele CA316748.